The following is an entry in ClinVar:

NM_000085.5(CLCNKB):c.227G>A (p.Arg76Gln)

Genes: CLCNKB (chloride voltage-gated channel Kb; plus strand), LOC106501713 (CLCNKB recombination region; plus strand). Cytogenetic location: 1p36.13.
Variant type: single nucleotide variant.
Coding change: c.227G>A on transcript NM_000085.5 (MANE Select); coding-DNA position 227, G replaced by A.
Protein change: p.Arg76Gln; replaces arginine 76 with glutamine.
Molecular consequence: missense variant.
Genome position (GRCh38, 1-based): chr1:16,045,684, G>A. VCF-style: chr1-16045684-G-A. GRCh37 (hg19) VCF-style: chr1-16372179-G-A.
Other names: short protein forms R76Q.
Identifiers: ClinVar variation 2048297 (VCV002048297.5), dbSNP rs139676842, ClinGen allele CA623215.

ClinVar aggregate classification (germline): Conflicting classifications of pathogenicity. Review status: criteria provided, conflicting classifications (1 of 4 stars). 3 submissions from 3 submitters: Uncertain significance (2); Likely benign (1). Last evaluated 2026-01-12.

Conditions:
Bartter disease type 3. Also called: Bartter syndrome type 3. Identifiers: Orphanet 112, Orphanet 93605, MedGen C1846343, MONDO:0011822, OMIM 607364.
Bartter disease type 4B. Also called: BARTTER SYNDROME, TYPE 4B; Bartter syndrome, type 4b, digenic; BARTTER SYNDROME, TYPE 4B, NEONATAL, WITH SENSORINEURAL DEAFNESS. Identifiers: Orphanet 112, MedGen C4310805, MONDO:0000909, OMIM 613090.

Allele frequency attached by ClinVar (database versions not stated): 1000 Genomes Project 30x 0.00016; 1000 Genomes Project 0.00020; TOPMed 0.00022; ESP Exome Variant Server 0.00023; gnomAD 0.00027; ExAC 0.00049.

Submissions (3):

Labcorp Genetics (formerly Invitae), Labcorp
Classification: Uncertain significance. Last evaluated: 2026-01-12. Review status: criteria provided, single submitter. Criteria: Invitae Variant Classification Sherloc (09022015). Collection method: clinical testing. Allele origin: germline.
Comment: This sequence change replaces arginine, which is basic and polar, with glutamine, which is neutral and polar, at codon 76 of the CLCNKB protein (p.Arg76Gln). This variant is present in population databases (rs139676842, gnomAD 0.06%). This variant has not been reported in the literature in individuals affected with CLCNKB-related conditions. ClinVar contains an entry for this variant (Variation ID: 2048297). An algorithm developed to predict the effect of missense changes on protein structure and function outputs the following: PolyPhen-2: "Benign". The glutamine amino acid residue is found in multiple mammalian species, which suggests that this missense change does not adversely affect protein function. In summary, the available evidence is currently insufficient to determine the role of this variant in disease. Therefore, it has been classified as a Variant of Uncertain Significance.

Blueprint Genetics
Classification: Likely benign. Last evaluated: 2024-11-11. Review status: criteria provided, single submitter. Criteria: ACMG Guidelines, 2015. Collection method: clinical testing. Allele origin: germline.

Fulgent Genetics
Classification: Uncertain significance for Bartter disease type 3; Bartter disease type 4B. Last evaluated: 2024-06-04. Review status: criteria provided, single submitter. Criteria: ACMG Guidelines, 2015. Collection method: clinical testing. Allele origin: germline.